The following is an entry in ClinVar:

ClinVar aggregate classification (germline): Uncertain significance (1 of 4 stars; one submission).

Conditions:
Primary dilated cardiomyopathy (DCM). Also called: Dilated Cardiomyopathy. Identifiers: Orphanet 217604, MedGen C0007193, MeSH D002311, MONDO:0005021, HP:0001644. Inheritance: Various modes of inheritance.

Allele frequency attached by ClinVar (database versions not stated): gnomAD exomes 0.00001; ExAC 0.00002.
gnomAD v4.1: 14 of 1,613,924 alleles (0.00087%); highest among the groups gnomAD compares: Non-Finnish European, 0.0011%; no homozygotes.

Submission:

Labcorp Genetics (formerly Invitae), Labcorp
Classification: Uncertain significance for Primary dilated cardiomyopathy. Last evaluated: 2024-08-28. Review status: criteria provided, single submitter. Criteria: Invitae Variant Classification Sherloc (09022015). Collection method: clinical testing. Allele origin: germline.
Comment: This sequence change replaces cysteine, which is neutral and slightly polar, with tyrosine, which is neutral and polar, at codon 909 of the NEBL protein (p.Cys909Tyr). This variant is present in population databases (rs779981743, gnomAD 0.003%). This variant has not been reported in the literature in individuals affected with NEBL-related conditions. ClinVar contains an entry for this variant (Variation ID: 2194300). An algorithm developed to predict the effect of missense changes on protein structure and function (PolyPhen-2) suggests that this variant is likely to be tolerated. In summary, the available evidence is currently insufficient to determine the role of this variant in disease. Therefore, it has been classified as a Variant of Uncertain Significance.

NM_006393.3(NEBL):c.2726G>A (p.Cys909Tyr)

Gene: NEBL (nebulette; minus strand). Cytogenetic location: 10p12.31.
Variant type: single nucleotide variant.
Coding change: c.2726G>A on transcript NM_006393.3 (MANE Select); coding-DNA position 2726, G replaced by A.
Protein change: p.Cys909Tyr; replaces cysteine 909 with tyrosine.
Molecular consequence: missense variant. On other transcripts: intron variant (9).
Genome position (GRCh38, 1-based): chr10:20,808,545, C>T on the plus strand (G>A on the coding strand, the complement: NEBL is on the minus strand). VCF-style: chr10-20808545-C-T. GRCh37 (hg19) VCF-style: chr10-21097474-C-T.
Other names: c.421+4224G>A (NM_001377326.1, NM_001377327.1, NM_001377328.1); c.529+4224G>A (NM_213569.2, NM_001173484.2); c.622+1261G>A (NM_001377322.1); c.472+4224G>A (NM_001377324.1); c.463+4224G>A (NM_001377325.1); c.481+4224G>A (NM_001377323.1); short protein forms C909Y.
Identifiers: ClinVar variation 2194300 (VCV002194300.4), dbSNP rs779981743, ClinGen allele CA5432352.